The following is an entry in ClinVar:

NM_032119.4(ADGRV1):c.8386G>C (p.Gly2796Arg)

Gene: ADGRV1 (adhesion G protein-coupled receptor V1; plus strand). Cytogenetic location: 5q14.3.
Variant type: single nucleotide variant.
Coding change: c.8386G>C on transcript NM_032119.4 (MANE Select); coding-DNA position 8386, G replaced by C.
Protein change: p.Gly2796Arg; replaces glycine 2796 with arginine.
Molecular consequence: missense variant. On other transcripts: non-coding transcript variant (1).
Genome position (GRCh38, 1-based): chr5:90,704,488, G>C. VCF-style: chr5-90704488-G-C. GRCh37 (hg19) VCF-style: chr5-90000305-G-C.
Other names: short protein forms G2796R.
Identifiers: ClinVar variation 506007 (VCV000506007.4), dbSNP rs1554088629, ClinGen allele CA360390060.

ClinVar aggregate classification (germline): Uncertain significance (1 of 4 stars; one submission).

Submission:

Laboratory for Molecular Medicine, Mass General Brigham Personalized Medicine
Classification: Uncertain significance. Last evaluated: 2017-08-17. Review status: criteria provided, single submitter. Criteria: LMM Criteria. Collection method: clinical testing. Allele origin: germline. Observed: 1 variant allele.
Comment: The p.Gly2796Arg variant in GPR98 has not been previously reported in individual s with hearing loss or Usher syndrome, or in large population studies. Computati onal prediction tools and conservation analyses suggest that this variant may im pact the protein, though this information is not predictive enough to determine pathogenicity. This variant is located in the last base of the exon, which is pa rt of the 5' splice region. Computational tools suggest a possible impact to spl icing. However, this information is not predictive enough to determine pathogeni city. In summary, the clinical significance of this variant is uncertain.